The following is an entry in ClinVar:

ClinVar aggregate classification (germline): Uncertain significance. Review status: criteria provided, multiple submitters, no conflicts (2 of 4 stars). 2 submissions from 2 submitters: Uncertain significance (2). Last evaluated 2026-06-11.

Conditions:
TTN-related disorder. Also called: TTN-related disorders; TTN-related condition; TTN-related disease.

Allele frequency attached by ClinVar (database versions not stated): gnomAD 0.00001; TOPMed 0.00001; gnomAD exomes 0.00002.
gnomAD v4.1: 29 of 1,613,822 alleles (0.0018%); highest among the groups gnomAD compares: Non-Finnish European, 0.0024%; no homozygotes.

Submissions (2):

PreventionGenetics, part of Exact Sciences
Classification: Uncertain significance for TTN-related condition. Last evaluated: 2026-06-11. Review status: criteria provided, single submitter. Criteria: ACMG Guidelines, 2015. Collection method: clinical testing. Allele origin: germline.
Comment: The TTN c.87328G>A variant is predicted to result in the amino acid substitution p.Ala29110Thr. To our knowledge, this variant has not been reported in the literature. This variant is reported in 0.00089% of alleles in individuals of European (Non-Finnish) descent in gnomAD. At this time, the clinical significance of this variant is uncertain due to the absence of conclusive functional and genetic evidence.

GeneDx
Classification: Uncertain significance. Last evaluated: 2022-03-02. Review status: criteria provided, single submitter. Criteria: GeneDx Variant Classification Process June 2021. Collection method: clinical testing. Allele origin: germline. Affected: yes.
Comment: Not observed at significant frequency in large population cohorts (gnomAD); Missense variant in a gene in which most reported pathogenic variants are truncating/loss-of-function; Has not been previously published as pathogenic or benign to our knowledge; This variant is associated with the following publications: (PMID: 23975875)

NM_001267550.2(TTN):c.87328G>A (p.Ala29110Thr)

Genes: TTN (titin; minus strand), TTN-AS1 (TTN antisense RNA 1; plus strand). Cytogenetic location: 2q31.2.
Variant type: single nucleotide variant.
Coding change: c.87328G>A on transcript NM_001267550.2 (MANE Select); coding-DNA position 87328, G replaced by A.
Protein change: p.Ala29110Thr; replaces alanine 29110 with threonine.
Molecular consequence: missense variant.
Genome position (GRCh38, 1-based): chr2:178,558,026, C>T on the plus strand (G>A on the coding strand, the complement: TTN is on the minus strand). VCF-style: chr2-178558026-C-T. GRCh37 (hg19) VCF-style: chr2-179422753-C-T.
Other names: c.82405G>A, p.Ala27469Thr (NM_001256850.1); c.60133G>A, p.Ala20045Thr (NM_003319.4); c.79624G>A, p.Ala26542Thr (NM_133378.4); c.60508G>A, p.Ala20170Thr (NM_133432.3); c.60709G>A, p.Ala20237Thr (NM_133437.4); short protein forms A20045T, A20170T, A20237T, A26542T, A27469T, A29110T.
Identifiers: ClinVar variation 1703922 (VCV001703922.3), dbSNP rs1462899266, ClinGen allele CA349537203.